The following is an entry in ClinVar:

ClinVar aggregate classification (germline): Uncertain significance (1 of 4 stars; one submission).

Submission:

Women's Health and Genetics/Laboratory Corporation of America, LabCorp
Classification: Uncertain significance. Last evaluated: 2024-10-02. Review status: criteria provided, single submitter. Criteria: LabCorp Variant Classification Summary - May 2015. Collection method: clinical testing. Allele origin: germline.
Comment: Variant summary: SRRM2 c.7675A>G (p.Ser2559Gly) results in a non-conservative amino acid change in the encoded protein sequence. Four of five in-silico tools predict a damaging effect of the variant on protein function. The variant was absent in 239202 control chromosomes. The available data on variant occurrences in the general population are insufficient to allow any conclusion about variant significance. To our knowledge, no occurrence of c.7675A>G in individuals affected with Intellectual Developmental Disorder, Autosomal Dominant 72 and no experimental evidence demonstrating its impact on protein function have been reported. No submitters have cited clinical-significance assessments for this variant to ClinVar. Based on the evidence outlined above, the variant was classified as uncertain significance.

NM_016333.4(SRRM2):c.7675A>G (p.Ser2559Gly)

Gene: SRRM2 (serine/arginine repetitive matrix 2; plus strand). Cytogenetic location: 16p13.3.
Variant type: single nucleotide variant.
Coding change: c.7675A>G on transcript NM_016333.4 (MANE Select); coding-DNA position 7675, A replaced by G.
Protein change: p.Ser2559Gly; replaces serine 2559 with glycine.
Molecular consequence: missense variant.
Genome position (GRCh38, 1-based): chr16:2,768,203, A>G. VCF-style: chr16-2768203-A-G. GRCh37 (hg19) VCF-style: chr16-2818204-A-G.
Other names: short protein forms S2559G.
Identifiers: ClinVar variation 3385000 (VCV003385000.1).
Genomic context (GRCh38, chr16:2,768,203, plus strand): 5'-TCCTCTAGCTCCTCCTCTTCTTCATCATCGTCGTCGTCGTCCTCCTCCTCCTCTGGCTCC[A>G]GTTCTAGTGACTCAGAGGGCTCTAGCCTTCCTGTGCAACCTGAGGTGGCACTGAAGAGGT-3'
Protein context (NP_057417.3, residues 2549-2569): SSSSSSSSGS[Ser2559Gly]SSDSEGSSLP